The following is an entry in ClinVar:

NM_032043.3(BRIP1):c.3384A>G (p.Glu1128=)

Gene: BRIP1 (BRCA1 interacting DNA helicase 1; minus strand). Cytogenetic location: 17q23.2.
Variant type: single nucleotide variant.
Coding change: c.3384A>G on transcript NM_032043.3 (MANE Select); coding-DNA position 3384, A replaced by G.
Protein change: p.Glu1128=; no amino-acid change (glutamic acid 1128 retained).
Molecular consequence: synonymous variant.
Genome position (GRCh38, 1-based): chr17:61,683,662, T>C on the plus strand (A>G on the coding strand, the complement: BRIP1 is on the minus strand). VCF-style: chr17-61683662-T-C. GRCh37 (hg19) VCF-style: chr17-59761023-T-C.
Identifiers: ClinVar variation 510704 (VCV000510704.6), dbSNP rs868546317, ClinGen allele CA501335052.

ClinVar aggregate classification (germline): Benign/Likely benign. Review status: criteria provided, multiple submitters, no conflicts (2 of 4 stars). 3 submissions from 3 submitters: Benign (1); Likely benign (2). Last evaluated 2024-09-10.

Conditions:
Familial cancer of breast. Also called: BREAST CANCER, FAMILIAL; Hereditary breast cancer; hereditary breast carcinoma. Identifiers: Orphanet 227535, MedGen C0346153, MONDO:0016419, OMIM 114480. Disease mechanism: loss of function.
Fanconi anemia complementation group J. Also called: BRIP1-Related Fanconi Anemia. Identifiers: Orphanet 84, MedGen C1836860, MONDO:0012187, OMIM 609054.

Submissions (3):

Myriad Genetics, Inc.
Classification: Benign for Familial cancer of breast. Last evaluated: 2024-09-10. Review status: criteria provided, single submitter. Criteria: Myriad Autosomal Dominant, Autosomal Recessive and X-Linked Classification Criteria (2023). Collection method: clinical testing. Allele origin: unknown.
Comment: This variant is considered benign. This variant is a silent/synonymous amino acid change and it is not expected to impact splicing.

Labcorp Genetics (formerly Invitae), Labcorp
Classification: Likely benign for Familial cancer of breast; Fanconi anemia complementation group J. Last evaluated: 2022-09-22. Review status: criteria provided, single submitter. Criteria: Invitae Variant Classification Sherloc (09022015). Collection method: clinical testing. Allele origin: germline.

GeneDx
Classification: Likely benign. Last evaluated: 2017-07-07. Review status: criteria provided, single submitter. Criteria: GeneDx Variant Classification (06012015). Collection method: clinical testing. Allele origin: germline. Affected: yes.
Comment: This variant is considered likely benign or benign based on one or more of the following criteria: it is a conservative change, it occurs at a poorly conserved position in the protein, it is predicted to be benign by multiple in silico algorithms, and/or has population frequency not consistent with disease.